The following is an entry in ClinVar:

NM_003999.3(OSMR):c.291G>A (p.Trp97Ter)

Gene: OSMR (oncostatin M receptor; plus strand). Cytogenetic location: 5p13.1.
Variant type: single nucleotide variant.
Coding change: c.291G>A on transcript NM_003999.3 (MANE Select); coding-DNA position 291, G replaced by A.
Protein change: p.Trp97Ter; replaces tryptophan 97 with a stop codon.
Molecular consequence: nonsense.
Genome position (GRCh38, 1-based): chr5:38,881,637, G>A. VCF-style: chr5-38881637-G-A. GRCh37 (hg19) VCF-style: chr5-38881739-G-A.
Other names: c.291G>A, p.Trp97Ter (NM_001168355.3, NM_001323504.2, NM_001323505.2 and 2 more transcripts); short protein forms W97*.
Identifiers: ClinVar variation 4993495 (VCV004993495.1).

ClinVar aggregate classification (germline): Uncertain significance (1 of 4 stars; one submission).

Conditions:
OSMR-related disorder. Also called: OSMR-related condition.

gnomAD v4.1: 1 of 1,614,112 alleles (0.000062%); highest among the groups gnomAD compares: Non-Finnish European, 0.000085%; no homozygotes.

Submission:

PreventionGenetics, part of Exact Sciences
Classification: Uncertain significance for OSMR-related condition. Last evaluated: 2026-03-03. Review status: criteria provided, single submitter. Criteria: ACMG Guidelines, 2015. Collection method: clinical testing. Allele origin: germline.
Comment: The OSMR c.291G>A variant is predicted to result in premature protein termination (p.Trp97*). To our knowledge, this variant has not been reported in the literature or in a large population database (gnomAD), indicating this variant is rare. At this time, the clinical significance of this variant is uncertain due to the absence of conclusive functional and genetic evidence.